The following is an entry in ClinVar:

ClinVar aggregate classification (germline): Uncertain significance (1 of 4 stars; one submission).

Conditions:
Hereditary cancer-predisposing syndrome. Also called: Tumor predisposition; Hereditary neoplastic syndrome; Hereditary Cancer Syndrome; Neoplastic Syndromes, Hereditary. Identifiers: Orphanet 140162, MedGen C0027672, MeSH D009386, MONDO:0015356.

Submission:

Ambry Genetics
Classification: Uncertain significance for Hereditary cancer-predisposing syndrome. Last evaluated: 2025-06-09. Review status: criteria provided, single submitter. Criteria: Ambry Variant Classification Scheme 2023. Collection method: clinical testing. Allele origin: germline.
Comment: The p.N109D variant (also known as c.325A>G), located in coding exon 4 of the SDHB gene, results from an A to G substitution at nucleotide position 325. The asparagine at codon 109 is replaced by aspartic acid, an amino acid with highly similar properties. This amino acid position is highly conserved in available vertebrate species. In addition, this alteration is predicted to be deleterious by in silico analysis. Based on the available evidence, the clinical significance of this variant remains unclear.

NM_003000.3(SDHB):c.325A>G (p.Asn109Asp)

Gene: SDHB (succinate dehydrogenase complex iron sulfur subunit B; minus strand). Cytogenetic location: 1p36.13.
Variant type: single nucleotide variant.
Coding change: c.325A>G on transcript NM_003000.3 (MANE Select); coding-DNA position 325, A replaced by G.
Protein change: p.Asn109Asp; replaces asparagine 109 with aspartic acid.
Molecular consequence: missense variant.
Genome position (GRCh38, 1-based): chr1:17,028,698, T>C on the plus strand (A>G on the coding strand, the complement: SDHB is on the minus strand). VCF-style: chr1-17028698-T-C. GRCh37 (hg19) VCF-style: chr1-17355193-T-C.
Other names: c.325A>G, p.Asn109Asp (NM_001407361.1); short protein forms N109D.
Identifiers: ClinVar variation 3951399 (VCV003951399.1).